The following is an entry in ClinVar:

ClinVar aggregate classification (germline): Uncertain significance. Review status: criteria provided, multiple submitters, no conflicts (2 of 4 stars). 6 submissions from 6 submitters: Uncertain significance (5). 1 of the submissions does not count toward it. Last evaluated 2023-12-22.

Conditions:
Alstrom syndrome (ALMS). Identifiers: Orphanet 64, MedGen C0268425, MONDO:0008763, OMIM 203800.

Allele frequency attached by ClinVar (database versions not stated): gnomAD exomes below 0.00001; ExAC 0.00001; gnomAD 0.00001; TOPMed 0.00001.
gnomAD v4.1: 9 of 1,614,076 alleles (0.00056%); highest among the groups gnomAD compares: African/African-American, 0.0053%; no homozygotes.

Submissions (6):

Labcorp Genetics (formerly Invitae), Labcorp
Classification: Uncertain significance for Alstrom syndrome. Last evaluated: 2023-12-22. Review status: criteria provided, single submitter. Criteria: Invitae Variant Classification Sherloc (09022015). Collection method: clinical testing. Allele origin: germline.
Comment: This sequence change replaces serine, which is neutral and polar, with phenylalanine, which is neutral and non-polar, at codon 3132 of the ALMS1 protein (p.Ser3132Phe). This variant is present in population databases (rs144588413, gnomAD 0.007%). This variant has not been reported in the literature in individuals affected with ALMS1-related conditions. ClinVar contains an entry for this variant (Variation ID: 552360). Experimental studies and prediction algorithms are not available or were not evaluated, and the functional significance of this variant is currently unknown. In summary, the available evidence is currently insufficient to determine the role of this variant in disease. Therefore, it has been classified as a Variant of Uncertain Significance.

GeneDx
Classification: Uncertain significance. Last evaluated: 2023-07-13. Review status: criteria provided, single submitter. Criteria: GeneDx Variant Classification Process June 2021. Collection method: clinical testing. Allele origin: germline. Affected: yes.
Comment: Not observed at significant frequency in large population cohorts (gnomAD); In silico analysis supports that this missense variant has a deleterious effect on protein structure/function; Has not been previously published as pathogenic or benign to our knowledge

Fulgent Genetics
Classification: Uncertain significance for Alstrom syndrome. Last evaluated: 2021-12-01. Review status: criteria provided, single submitter. Criteria: ACMG Guidelines, 2015. Collection method: clinical testing. Allele origin: unknown.

Women's Health and Genetics/Laboratory Corporation of America, LabCorp
Classification: Uncertain significance. Last evaluated: 2021-03-01. Review status: criteria provided, single submitter. Criteria: LabCorp Variant Classification Summary - May 2015. Collection method: clinical testing. Allele origin: germline.
Comment: Variant summary: ALMS1 c.9389C>T (p.Ser3130Phe, also known as c.9395C>T) results in a non-conservative amino acid change in the encoded protein sequence. Three of five in-silico tools predict a damaging effect of the variant on protein function. The variant allele was found at a frequency of 4e-06 in 249454 control chromosomes. The available data on variant occurrences in the general population are insufficient to allow any conclusion about variant significance. To our knowledge, no occurrence of c.9389C>T in individuals affected with Alstrom Syndrome With Dilated Cardiomyopathy and no experimental evidence demonstrating its impact on protein function have been reported. One clinical diagnostic laboratory has submitted clinical-significance assessments for this variant to ClinVar after 2014 without evidence for independent evaluation. One laboratory classified the variant as uncertain significance. Based on the evidence outlined above, the variant was classified as uncertain significance.

Blueprint Genetics
Classification: Uncertain significance. Last evaluated: 2020-09-24. Review status: criteria provided, single submitter. Criteria: ACMG Guidelines, 2015. Collection method: clinical testing. Allele origin: germline.

Counsyl
Classification: Uncertain significance for Alstrom syndrome. Last evaluated: 2017-06-21. Review status: no assertion criteria provided. Collection method: clinical testing. Allele origin: unknown. Not counted in ClinVar's aggregate classification.

NM_001378454.1(ALMS1):c.9392C>T (p.Ser3131Phe)

Gene: ALMS1 (ALMS1 centrosome and basal body associated protein; plus strand). Cytogenetic location: 2p13.1.
Variant type: single nucleotide variant.
Coding change: c.9392C>T on transcript NM_001378454.1 (MANE Select); coding-DNA position 9392, C replaced by T.
Protein change: p.Ser3131Phe; replaces serine 3131 with phenylalanine.
Molecular consequence: missense variant.
Genome position (GRCh38, 1-based): chr2:73,491,351, C>T. VCF-style: chr2-73491351-C-T. GRCh37 (hg19) VCF-style: chr2-73718478-C-T.
Other names: c.9395C>T, p.Ser3132Phe (NM_015120.4); short protein forms S3132F, S3131F.
Identifiers: ClinVar variation 552360 (VCV000552360.13), dbSNP rs144588413, ClinGen allele CA1714653.